The following is an entry in ClinVar:

NM_001244710.2(GFPT1):c.1837A>G (p.Arg613Gly)

Gene: GFPT1 (glutamine--fructose-6-phosphate transaminase 1; minus strand). Cytogenetic location: 2p13.3.
Variant type: single nucleotide variant.
Coding change: c.1837A>G on transcript NM_001244710.2 (MANE Select); coding-DNA position 1837, A replaced by G.
Protein change: p.Arg613Gly; replaces arginine 613 with glycine.
Molecular consequence: missense variant.
Genome position (GRCh38, 1-based): chr2:69,328,327, T>C on the plus strand (A>G on the coding strand, the complement: GFPT1 is on the minus strand). VCF-style: chr2-69328327-T-C. GRCh37 (hg19) VCF-style: chr2-69555459-T-C.
Other names: c.1783A>G, p.Arg595Gly (NM_002056.4); short protein forms R595G, R613G.
Identifiers: ClinVar variation 1957324 (VCV001957324.5), dbSNP rs766622631, ClinGen allele CA347422200.

ClinVar aggregate classification (germline): Uncertain significance (1 of 4 stars; one submission).

Conditions:
Congenital myasthenic syndrome 12 (CMS12). Also called: MYASTHENIC SYNDROME, CONGENITAL, WITH TUBULAR AGGREGATES 1; Myasthenia, congenital, 12, with tubular aggregates. Identifiers: Orphanet 353327, Orphanet 590, MedGen C3552335, MONDO:0012518, OMIM 610542.

Allele frequency attached by ClinVar (database versions not stated): TOPMed 0.00001.

Submission:

Labcorp Genetics (formerly Invitae), Labcorp
Classification: Uncertain significance for Congenital myasthenic syndrome 12. Last evaluated: 2022-03-17. Review status: criteria provided, single submitter. Criteria: Invitae Variant Classification Sherloc (09022015). Collection method: clinical testing. Allele origin: germline.
Comment: Algorithms developed to predict the effect of missense changes on protein structure and function are either unavailable or do not agree on the potential impact of this missense change (SIFT: "Deleterious"; PolyPhen-2: "Benign"; Align-GVGD: "Class C0"). In summary, the available evidence is currently insufficient to determine the role of this variant in disease. Therefore, it has been classified as a Variant of Uncertain Significance. This variant has not been reported in the literature in individuals affected with GFPT1-related conditions. This variant is not present in population databases (gnomAD no frequency). This sequence change replaces arginine, which is basic and polar, with glycine, which is neutral and non-polar, at codon 613 of the GFPT1 protein (p.Arg613Gly).